The following is an entry in ClinVar:

NM_000051.4(ATM):c.6347+4A>G

Genes: ATM (ATM serine/threonine kinase; plus strand), C11orf65 (chromosome 11 open reading frame 65; minus strand). Cytogenetic location: 11q22.3.
Variant type: single nucleotide variant.
Coding change: c.6347+4A>G on transcript NM_000051.4 (MANE Select); 4 bases into the intron after coding-DNA position 6347, A replaced by G.
Molecular consequence: intron variant.
Genome position (GRCh38, 1-based): chr11:108,317,525, A>G. VCF-style: chr11-108317525-A-G. GRCh37 (hg19) VCF-style: chr11-108188252-A-G.
Other names: c.6347+4A>G (NM_001351834.2); c.641-8454T>C (NM_001330368.2); c.*39-8454T>C (NM_001351110.2).
Identifiers: ClinVar variation 481124 (VCV000481124.49), dbSNP rs1342227995, ClinGen allele CA601725089.

ClinVar aggregate classification (germline): Likely benign. Review status: criteria provided, multiple submitters, no conflicts (2 of 4 stars). 3 submissions from 3 submitters: Likely benign (3). Last evaluated 2025-09-08.

Conditions:
Hereditary cancer-predisposing syndrome. Also called: Neoplastic Syndromes, Hereditary; Hereditary Cancer Syndrome; Tumor predisposition; Hereditary neoplastic syndrome. Identifiers: Orphanet 140162, MedGen C0027672, MeSH D009386, MONDO:0015356.
Ataxia-telangiectasia syndrome (AT). Also called: LOUIS-BAR SYNDROME; Cerebello-oculocutaneous telangiectasia; Immunodeficiency with ataxia telangiectasia; Ataxia-telangiectasia, complementation group D; AT, COMPLEMENTATION GROUP C; Ataxia-telangiectasia, complementation group E. Identifiers: Orphanet 100, MedGen C0004135, MONDO:0008840, OMIM 208900.

Allele frequency attached by ClinVar (database versions not stated): gnomAD exomes below 0.00001; TOPMed below 0.00001.
gnomAD v4.1: 2 of 1,600,640 alleles (0.00012%); highest among the groups gnomAD compares: East Asian, 0.0023%; no homozygotes.

Submissions (3):

Labcorp Genetics (formerly Invitae), Labcorp
Classification: Likely benign for Ataxia-telangiectasia syndrome. Last evaluated: 2025-09-08. Review status: criteria provided, single submitter. Criteria: Invitae Variant Classification Sherloc (09022015). Collection method: clinical testing. Allele origin: germline.

Ambry Genetics
Classification: Likely benign for Hereditary cancer-predisposing syndrome. Last evaluated: 2020-12-09. Review status: criteria provided, single submitter. Criteria: Ambry Variant Classification Scheme 2023. Collection method: clinical testing. Allele origin: germline.

GeneDx
Classification: Likely benign. Last evaluated: 2018-02-09. Review status: criteria provided, single submitter. Criteria: GeneDx Variant Classification (06012015). Collection method: clinical testing. Allele origin: germline. Affected: yes.
Comment: This variant is considered likely benign or benign based on one or more of the following criteria: it is a conservative change, it occurs at a poorly conserved position in the protein, it is predicted to be benign by multiple in silico algorithms, and/or has population frequency not consistent with disease.